The following is an entry in ClinVar:

ClinVar aggregate classification (germline): Uncertain significance (1 of 4 stars; one submission).

Conditions:
Arrhythmogenic right ventricular dysplasia 9 (ARVD9). Also called: Arrhythmogenic Right Ventricular Dysplasia/Cardiomyopathy 9; ARRHYTHMOGENIC RIGHT VENTRICULAR DYSPLASIA, FAMILIAL, 9. Identifiers: MedGen C1836906, MONDO:0012180, OMIM 609040.

Allele frequency attached by ClinVar (database versions not stated): gnomAD exomes below 0.00001.
gnomAD v4.1: 1 of 1,613,942 alleles (0.000062%); highest among the groups gnomAD compares: Non-Finnish European, 0.000085%; no homozygotes.

Submission:

Labcorp Genetics (formerly Invitae), Labcorp
Classification: Uncertain significance for Arrhythmogenic right ventricular dysplasia 9. Last evaluated: 2021-05-13. Review status: criteria provided, single submitter. Criteria: Invitae Variant Classification Sherloc (09022015). Collection method: clinical testing. Allele origin: germline.
Comment: In summary, the available evidence is currently insufficient to determine the role of this variant in disease. Therefore, it has been classified as a Variant of Uncertain Significance. Algorithms developed to predict the effect of missense changes on protein structure and function (SIFT, PolyPhen-2, Align-GVGD) all suggest that this variant is likely to be tolerated, but these predictions have not been confirmed by published functional studies and their clinical significance is uncertain. This variant has not been reported in the literature in individuals with PKP2-related conditions. This variant is not present in population databases (ExAC no frequency). This sequence change replaces threonine with serine at codon 375 of the PKP2 protein (p.Thr375Ser). The threonine residue is moderately conserved and there is a small physicochemical difference between threonine and serine.

NM_001005242.3(PKP2):c.1123A>T (p.Thr375Ser)

Gene: PKP2 (plakophilin 2; minus strand). Cytogenetic location: 12p11.21.
Variant type: single nucleotide variant.
Coding change: c.1123A>T on transcript NM_001005242.3 (MANE Select); coding-DNA position 1123, A replaced by T.
Protein change: p.Thr375Ser; replaces threonine 375 with serine.
Molecular consequence: missense variant.
Genome position (GRCh38, 1-based): chr12:32,868,974, T>A on the plus strand (A>T on the coding strand, the complement: PKP2 is on the minus strand). VCF-style: chr12-32868974-T-A. GRCh37 (hg19) VCF-style: chr12-33021908-T-A.
Other names: c.1123A>T, p.Thr375Ser (NM_004572.4); short protein forms T375S.
Identifiers: ClinVar variation 1485766 (VCV001485766.8), dbSNP rs2137919547, ClinGen allele CA384359292.